The following is an entry in ClinVar:

ClinVar aggregate classification (germline): Pathogenic. Review status: criteria provided, single submitter (1 of 4 stars). 3 submissions from 3 submitters: Pathogenic (1). 2 of the submissions do not count toward it. Last evaluated 2026-01-06.

Conditions:
Autosomal recessive nonsyndromic hearing loss 9. Also called: OTOF-Related Hearing Loss; Deafness, autosomal recessive 9; NEUROSENSORY NONSYNDROMIC RECESSIVE DEAFNESS 9; AUDITORY NEUROPATHY, AUTOSOMAL RECESSIVE, 1, TEMPERATURE-SENSITIVE. Identifiers: Orphanet 90636, MedGen C1832828, MONDO:0010986, OMIM 601071.
Auditory neuropathy, autosomal recessive, 1 (AUNB1). Identifiers: MedGen CN315828.

Submissions (3):

Labcorp Genetics (formerly Invitae), Labcorp
Classification: Pathogenic. Last evaluated: 2026-01-06. Review status: criteria provided, single submitter. Criteria: Invitae Variant Classification Sherloc (09022015). Collection method: clinical testing. Allele origin: germline.
Comment: This sequence change replaces leucine, which is neutral and non-polar, with proline, which is neutral and non-polar, at codon 1011 of the OTOF protein (p.Leu1011Pro). This variant is not present in population databases (gnomAD no frequency). This missense change has been observed in individual(s) with OTOF-related conditions (PMID: 16097006, 30482216). In at least one individual the data is consistent with being in trans (on the opposite chromosome) from a pathogenic variant. It has also been observed to segregate with disease in related individuals. ClinVar contains an entry for this variant (Variation ID: 6142). Invitae Evidence Modeling of protein sequence and biophysical properties (such as structural, functional, and spatial information, amino acid conservation, physicochemical variation, residue mobility, and thermodynamic stability) has been performed for this missense variant. However, the output from this modeling did not meet the statistical confidence thresholds required to predict the impact of this variant on OTOF protein function. Experimental studies have shown that this missense change affects OTOF function (PMID: 19004828). For these reasons, this variant has been classified as Pathogenic.

OMIM
Classification: Pathogenic for AUDITORY NEUROPATHY, AUTOSOMAL RECESSIVE, 1. Last evaluated: 2005-09-15. Review status: no assertion criteria provided. Collection method: literature only. Allele origin: germline. Not counted in ClinVar's aggregate classification.

GeneReviews
No classification provided. Condition: Autosomal recessive nonsyndromic hearing loss 9. Review status: no classification provided. Collection method: literature only. Allele origin: unknown. Not counted in ClinVar's aggregate classification.

Literature cited by the submitters: PubMed 16097006 (cited by 3 submitters); PubMed 30482216 (cited by Labcorp Genetics (formerly Invitae), Labcorp); PubMed 19004828 (cited by Labcorp Genetics (formerly Invitae), Labcorp); PubMed 10192385 (cited by GeneReviews); PubMed 20301429 (cited by GeneReviews); NCBI Bookshelf NBK1251 (cited by GeneReviews).

NM_194248.3(OTOF):c.3032T>C (p.Leu1011Pro)

Gene: OTOF (otoferlin; minus strand). Cytogenetic location: 2p23.3.
Variant type: single nucleotide variant.
Coding change: c.3032T>C on transcript NM_194248.3 (MANE Select); coding-DNA position 3032, T replaced by C.
Protein change: p.Leu1011Pro; replaces leucine 1011 with proline.
Molecular consequence: missense variant.
Genome position (GRCh38, 1-based): chr2:26,475,453, A>G on the plus strand (T>C on the coding strand, the complement: OTOF is on the minus strand). VCF-style: chr2-26475453-A-G. GRCh37 (hg19) VCF-style: chr2-26698321-A-G.
Other names: c.3032T>C, p.Leu1011Pro (NM_001287489.2); c.791T>C, p.Leu264Pro (NM_004802.4, NM_194323.3); c.962T>C, p.Leu321Pro (NM_194322.3); short protein forms L1011P, L264P, L321P.
Identifiers: ClinVar variation 6142 (VCV000006142.4), dbSNP rs80356596, ClinGen allele CA117972.